The following is an entry in ClinVar:

ClinVar aggregate classification (germline): Uncertain significance (1 of 4 stars; one submission).

gnomAD v4.1: 20 of 1,612,932 alleles (0.0012%); highest among the groups gnomAD compares: African/African-American, 0.0067%; no homozygotes.

Submission:

CeGaT Center for Human Genetics Tuebingen
Classification: Uncertain significance. Last evaluated: 2026-06-01. Review status: criteria provided, single submitter. Criteria: CeGaT Center For Human Genetics Tuebingen Variant Classification Criteria Version 2. Collection method: clinical testing. Allele origin: germline. Affected: yes. Observed: 1 variant allele.
Comment: TMPRSS6: PM2, PP3

NM_001374504.1(TMPRSS6):c.2293C>T (p.Arg765Cys)

Gene: TMPRSS6 (transmembrane serine protease 6; minus strand). Cytogenetic location: 22q12.3.
Variant type: single nucleotide variant.
Coding change: c.2293C>T on transcript NM_001374504.1 (MANE Select); coding-DNA position 2293, C replaced by T.
Protein change: p.Arg765Cys; replaces arginine 765 with cysteine.
Molecular consequence: missense variant.
Genome position (GRCh38, 1-based): chr22:37,066,196, G>A on the plus strand (C>T on the coding strand, the complement: TMPRSS6 is on the minus strand). VCF-style: chr22-37066196-G-A. GRCh37 (hg19) VCF-style: chr22-37462236-G-A.
Other names: c.2359C>T, p.Arg787Cys (NM_001289000.2); c.2293C>T, p.Arg765Cys (NM_001289001.2, NM_153609.4); short protein forms R765C, R787C.
Identifiers: ClinVar variation 4872948 (VCV004872948.2).